The following is an entry in ClinVar:

ClinVar aggregate classification (germline): Likely benign (1 of 4 stars; one submission).

Allele frequency attached by ClinVar (database versions not stated): 1000 Genomes Project 0.00060; 1000 Genomes Project 30x 0.00078; ExAC 0.00310; TOPMed 0.00327; gnomAD 0.00350; ESP Exome Variant Server 0.00446.
gnomAD v4.1: 9,061 of 1,614,026 alleles (0.56%); highest among the groups gnomAD compares: Non-Finnish European, 0.7%; 37 homozygotes.

Submission:

CeGaT Center for Human Genetics Tuebingen
Classification: Likely benign. Last evaluated: 2026-09-01. Review status: criteria provided, single submitter. Criteria: CeGaT Center For Human Genetics Tuebingen Variant Classification Criteria Version 2. Collection method: clinical testing. Allele origin: germline. Affected: yes. Observed: 24 variant alleles.
Comment: NCDN: BP4, BS2

NM_014284.3(NCDN):c.225G>T (p.Arg75=)

Gene: NCDN (neurochondrin; plus strand). Cytogenetic location: 1p34.3.
Variant type: single nucleotide variant.
Coding change: c.225G>T on transcript NM_014284.3 (MANE Select); coding-DNA position 225, G replaced by T.
Protein change: p.Arg75=; no amino-acid change (arginine 75 retained).
Molecular consequence: synonymous variant.
Genome position (GRCh38, 1-based): chr1:35,560,376, G>T. VCF-style: chr1-35560376-G-T. GRCh37 (hg19) VCF-style: chr1-36025977-G-T.
Other names: c.225G>T, p.Arg75= (NM_001014839.2); c.174G>T, p.Arg58= (NM_001014841.2).
Identifiers: ClinVar variation 1879083 (VCV001879083.29), dbSNP rs138059318, ClinGen allele CA760080.